The following is an entry in ClinVar:

ClinVar aggregate classification (germline): Uncertain significance (1 of 4 stars; one submission).

Allele frequency attached by ClinVar (database versions not stated): gnomAD exomes below 0.00001; gnomAD 0.00001.
gnomAD v4.1: 2 of 1,608,728 alleles (0.00012%); highest among the groups gnomAD compares: Non-Finnish European, 0.00017%; no homozygotes.

Submission:

GeneDx
Classification: Uncertain significance. Last evaluated: 2022-12-19. Review status: criteria provided, single submitter. Criteria: GeneDx Variant Classification Process June 2021. Collection method: clinical testing. Allele origin: germline. Affected: yes.
Comment: Not observed at significant frequency in large population cohorts (gnomAD); In silico analysis supports a deleterious effect on splicing; Has not been previously published as pathogenic or benign to our knowledge

NM_018489.3(ASH1L):c.6798A>G (p.Gln2266=)

Gene: ASH1L (ASH1 like histone lysine methyltransferase; minus strand). Cytogenetic location: 1q22.
Variant type: single nucleotide variant.
Coding change: c.6798A>G on transcript NM_018489.3 (MANE Select); coding-DNA position 6798, A replaced by G.
Protein change: p.Gln2266=; no amino-acid change (glutamine 2266 retained).
Molecular consequence: synonymous variant.
Genome position (GRCh38, 1-based): chr1:155,357,747, T>C on the plus strand (A>G on the coding strand, the complement: ASH1L is on the minus strand). VCF-style: chr1-155357747-T-C. GRCh37 (hg19) VCF-style: chr1-155327538-T-C.
Other names: c.6813A>G, p.Gln2271= (NM_001366177.2).
Identifiers: ClinVar variation 2505901 (VCV002505901.1), dbSNP rs1654542730, ClinGen allele CA421016288.
Genomic context (GRCh38, chr1:155,357,747, plus strand): 5'-CACACGCTGACTCTTGCCTCCGATGATTCCTCGACATTTCTCAAAGCCACACTTACAAAG[T>C]TGCTTTGAAGGGAGAGAATAATTTTTTTATTTTTATTTTTTTAAGGCAGGGTCTTTCCTG-3'
Protein context (NP_060959.2, residues 2256-2276): NFHSFNVEKQ[Gln2266=]LCKCGFEKCR